The following is an entry in ClinVar:

NM_022168.4(IFIH1):c.1641+4T>C

Gene: IFIH1 (interferon induced with helicase C domain 1; minus strand). Cytogenetic location: 2q24.2.
Variant type: single nucleotide variant.
Coding change: c.1641+4T>C on transcript NM_022168.4 (MANE Select); 4 bases into the intron after coding-DNA position 1641, T replaced by C.
Molecular consequence: intron variant.
Genome position (GRCh38, 1-based): chr2:162,279,992, A>G on the plus strand (T>C on the coding strand, the complement: IFIH1 is on the minus strand). VCF-style: chr2-162279992-A-G. GRCh37 (hg19) VCF-style: chr2-163136502-A-G.
Identifiers: ClinVar variation 1406710 (VCV001406710.7), dbSNP rs931264780, ClinGen allele CA59663413.

ClinVar aggregate classification (germline): Uncertain significance (1 of 4 stars; one submission).

Conditions:
Singleton-Merten syndrome 1 (SGMRT1). Also called: Widened medullary cavities of bone, aortic calcification, abnormal dentition, and muscular weakness; Syndrome of widened medullary cavities of the metacarpals and phalanges, aortic calcification and abnormal dentition. Identifiers: Orphanet 85191, MedGen C4225427, MONDO:0024535, OMIM 182250.
Aicardi-Goutieres syndrome 7 (AGS7). Identifiers: Orphanet 51, MedGen C3888244, MONDO:0014367, OMIM 615846.

Allele frequency attached by ClinVar (database versions not stated): gnomAD 0.00004 and 0.00003; gnomAD exomes 0.00001 and below 0.00001; TOPMed 0.00003.
gnomAD v4.1: 12 of 1,484,492 alleles (0.00081%); highest among the groups gnomAD compares: African/African-American, 0.0014%; no homozygotes.

Submission:

Labcorp Genetics (formerly Invitae), Labcorp
Classification: Uncertain significance for Aicardi-Goutieres syndrome 7; Singleton-Merten syndrome 1. Last evaluated: 2025-03-12. Review status: criteria provided, single submitter. Criteria: Invitae Variant Classification Sherloc (09022015). Collection method: clinical testing. Allele origin: germline.
Comment: This sequence change falls in intron 8 of the IFIH1 gene. It does not directly change the encoded amino acid sequence of the IFIH1 protein. It affects a nucleotide within the consensus splice site. This variant is present in population databases (no rsID available, gnomAD 0.002%). This variant has not been reported in the literature in individuals affected with IFIH1-related conditions. ClinVar contains an entry for this variant (Variation ID: 1406710). Variants that disrupt the consensus splice site are a relatively common cause of aberrant splicing (PMID: 17576681, 9536098). Algorithms developed to predict the effect of sequence changes on RNA splicing suggest that this variant is not likely to affect RNA splicing. In summary, the available evidence is currently insufficient to determine the role of this variant in disease. Therefore, it has been classified as a Variant of Uncertain Significance.

Literature cited by the submitters: PubMed 17576681; PubMed 9536098.